The following is an entry in ClinVar:

NM_000548.5(TSC2):c.617G>A (p.Cys206Tyr)

Gene: TSC2 (TSC complex subunit 2; plus strand). Cytogenetic location: 16p13.3.
Variant type: single nucleotide variant.
Coding change: c.617G>A on transcript NM_000548.5 (MANE Select); coding-DNA position 617, G replaced by A.
Protein change: p.Cys206Tyr; replaces cysteine 206 with tyrosine.
Molecular consequence: missense variant.
Genome position (GRCh38, 1-based): chr16:2,056,213, G>A. VCF-style: chr16-2056213-G-A. GRCh37 (hg19) VCF-style: chr16-2106214-G-A.
Other names: c.617G>A, p.Cys206Tyr (NM_001077183.3, NM_001114382.3, NM_001363528.2 and 3 more transcripts); c.506G>A, p.Cys169Tyr (NM_001318827.2); c.470G>A, p.Cys157Tyr (NM_001318829.2); c.17G>A, p.Cys6Tyr (NM_001318831.2); c.650G>A, p.Cys217Tyr (NM_001318832.2); short protein forms C157Y, C169Y, C206Y, C217Y, C6Y.
Identifiers: ClinVar variation 1057872 (VCV001057872.9), dbSNP rs2085790261, ClinGen allele CA394310708.
Genomic context (GRCh38, chr16:2,056,213, plus strand): 5'-ATCCAGGCAGTGCTGCCGGGACTGAGCTCGGTGCTCCCTGCAGGATGATCTGTCTGCTGT[G>A]CGTCCGGACCGCGTCCTCTGTGGACATAGAGGTCAGTGCCTCCCCTCCCCAGGGCCGGCC-3'
Protein context (NP_000539.2, residues 196-216): ARMVQMICLL[Cys206Tyr]VRTASSVDIE

ClinVar aggregate classification (germline): Uncertain significance (1 of 4 stars; one submission).

Conditions:
Tuberous sclerosis 2 (TSC2). Identifiers: Orphanet 805, MedGen C1860707, MONDO:0013199, OMIM 613254.

Allele frequency attached by ClinVar (database versions not stated): gnomAD 0.00001.

Submission:

Labcorp Genetics (formerly Invitae), Labcorp
Classification: Uncertain significance for Tuberous sclerosis 2. Last evaluated: 2025-11-03. Review status: criteria provided, single submitter. Criteria: Invitae Variant Classification Sherloc (09022015). Collection method: clinical testing. Allele origin: germline.
Comment: This sequence change replaces cysteine, which is neutral and slightly polar, with tyrosine, which is neutral and polar, at codon 206 of the TSC2 protein (p.Cys206Tyr). This variant is not present in population databases (gnomAD no frequency). This variant has not been reported in the literature in individuals affected with TSC2-related conditions. ClinVar contains an entry for this variant (Variation ID: 1057872). Invitae Evidence Modeling of protein sequence and biophysical properties (such as structural, functional, and spatial information, amino acid conservation, physicochemical variation, residue mobility, and thermodynamic stability) has been performed for this missense variant. However, the output from this modeling did not meet the statistical confidence thresholds required to predict the impact of this variant on TSC2 protein function. In summary, the available evidence is currently insufficient to determine the role of this variant in disease. Therefore, it has been classified as a Variant of Uncertain Significance.